The following is an entry in ClinVar:

ClinVar aggregate classification (germline): Uncertain significance. Review status: criteria provided, multiple submitters, no conflicts (2 of 4 stars). 5 submissions from 5 submitters: Uncertain significance (3). 2 of the submissions do not count toward it. Last evaluated 2026-02-19.

Conditions:
CEP290-related ciliopathy. Also called: CEP290 ciliopathy. Identifiers: MedGen CN305601, MONDO:0100451.
CEP290-related disorder. Also called: CEP290-related condition; CEP290-related disorders. Identifiers: MedGen CN239314.
Nephronophthisis. Also called: Juvenile Nephronophthisis. Identifiers: Orphanet 655, MedGen C0687120, MONDO:0019005, HP:0000090.
Meckel-Gruber syndrome. Also called: GRUBER SYNDROME; Dysencephalia splachnocystica; DYSENCEPHALIA SPLANCHNOCYSTICA. Identifiers: Orphanet 564, MedGen C0265215, MONDO:0018921.
Joubert syndrome. Also called: Familial aplasia of the vermis; JOUBERT-BOLTSHAUSER SYNDROME. Identifiers: Orphanet 475, MedGen C5979921, MONDO:0018772.
Leber congenital amaurosis (LCA). Also called: Leber's amaurosis. Identifiers: Orphanet 65, MedGen C0339527, MeSH D057130, MONDO:0018998.

Allele frequency attached by ClinVar (database versions not stated): gnomAD 0.00001; gnomAD exomes 0.00001; TOPMed 0.00002.
gnomAD v4.1: 12 of 1,613,380 alleles (0.00074%); highest among the groups gnomAD compares: Admixed American, 0.005%; no homozygotes.

Submissions (5):

Myriad Genetics, Inc.
Classification: Uncertain significance for CEP290-related ciliopathy. Last evaluated: 2026-02-19. Review status: criteria provided, single submitter. Criteria: Myriad Autosomal Dominant, Autosomal Recessive and X-Linked Classification Criteria (2023). Collection method: clinical testing. Allele origin: unknown.
Comment: NM_025114.3(CEP290):c.331C>T(R111W) is a missense variant classified as a variant of uncertain significance in the context of CEP290-related disorders. R111W has been observed in a case with relevant disease (PMID: 38534367). Relevant functional assessments of this variant are not available in the literature. R111W has been observed in referenced population frequency databases. In summary, there is insufficient evidence to classify NM_025114.3(CEP290):c.331C>T(R111W) as pathogenic or benign. Please note: this variant was assessed in the context of healthy population screening.

Labcorp Genetics (formerly Invitae), Labcorp
Classification: Uncertain significance for Joubert syndrome; Meckel-Gruber syndrome; Nephronophthisis. Last evaluated: 2024-10-26. Review status: criteria provided, single submitter. Criteria: Invitae Variant Classification Sherloc (09022015). Collection method: clinical testing. Allele origin: germline.
Comment: This sequence change replaces arginine, which is basic and polar, with tryptophan, which is neutral and slightly polar, at codon 111 of the CEP290 protein (p.Arg111Trp). This variant is present in population databases (no rsID available, gnomAD 0.006%). This variant has not been reported in the literature in individuals affected with CEP290-related conditions. ClinVar contains an entry for this variant (Variation ID: 965275). An algorithm developed to predict the effect of missense changes on protein structure and function outputs the following: PolyPhen-2: "Probably Damaging". The tryptophan amino acid residue is found in multiple mammalian species, which suggests that this missense change does not adversely affect protein function. In summary, the available evidence is currently insufficient to determine the role of this variant in disease. Therefore, it has been classified as a Variant of Uncertain Significance.

Blueprint Genetics
Classification: Uncertain significance. Last evaluated: 2019-01-08. Review status: criteria provided, single submitter. Criteria: ACMG Guidelines, 2015. Collection method: clinical testing. Allele origin: germline.

PreventionGenetics, part of Exact Sciences
Classification: Uncertain significance for CEP290-related condition. Last evaluated: 2024-09-28. Review status: no assertion criteria provided. Collection method: clinical testing. Allele origin: germline. Not counted in ClinVar's aggregate classification.
Comment: The CEP290 c.331C>T variant is predicted to result in the amino acid substitution p.Arg111Trp. To our knowledge, this variant has not been reported in the literature. This variant is reported in 0.0057% of alleles in individuals of Latino descent in gnomAD. At this time, the clinical significance of this variant is uncertain due to the absence of conclusive functional and genetic evidence.

Natera, Inc.
Classification: Uncertain significance for Leber congenital amaurosis. Last evaluated: 2020-02-13. Review status: no assertion criteria provided. Collection method: clinical testing. Allele origin: germline. Not counted in ClinVar's aggregate classification.

Literature cited by the submitters: PubMed 38534367 (cited by Myriad Genetics, Inc.).

NM_025114.4(CEP290):c.331C>T (p.Arg111Trp)

Gene: CEP290 (centrosomal protein 290; minus strand). Cytogenetic location: 12q21.32.
Variant type: single nucleotide variant.
Coding change: c.331C>T on transcript NM_025114.4 (MANE Select); coding-DNA position 331, C replaced by T.
Protein change: p.Arg111Trp; replaces arginine 111 with tryptophan.
Molecular consequence: missense variant.
Genome position (GRCh38, 1-based): chr12:88,136,753, G>A on the plus strand (C>T on the coding strand, the complement: CEP290 is on the minus strand). VCF-style: chr12-88136753-G-A. GRCh37 (hg19) VCF-style: chr12-88530530-G-A.
Other names: short protein forms R111W.
Identifiers: ClinVar variation 965275 (VCV000965275.12), dbSNP rs1051440600, ClinGen allele CA241165275.